The following is an entry in ClinVar:

NM_000353.3(TAT):c.313A>T (p.Lys105Ter)

Gene: TAT (tyrosine aminotransferase; minus strand). Cytogenetic location: 16q22.2.
Variant type: single nucleotide variant.
Coding change: c.313A>T on transcript NM_000353.3 (MANE Select); coding-DNA position 313, A replaced by T.
Protein change: p.Lys105Ter; replaces lysine 105 with a stop codon.
Molecular consequence: nonsense.
Genome position (GRCh38, 1-based): chr16:71,575,949, T>A on the plus strand (A>T on the coding strand, the complement: TAT is on the minus strand). VCF-style: chr16-71575949-T-A. GRCh37 (hg19) VCF-style: chr16-71609852-T-A.
Other names: short protein forms K105*.
Identifiers: ClinVar variation 1726727 (VCV001726727.2), dbSNP rs2507672161, ClinGen allele CA396653770.

ClinVar aggregate classification (germline): Likely pathogenic (1 of 4 stars; one submission).

Conditions:
Tyrosinemia type II (TYRSN2). Also called: KERATOSIS PALMOPLANTARIS WITH CORNEAL DYSTROPHY; OREGON TYPE TYROSINEMIA; TAT DEFICIENCY; TYROSINE AMINOTRANSFERASE DEFICIENCY; TYROSINE TRANSAMINASE DEFICIENCY. Identifiers: Orphanet 28378, MedGen C0268487, MONDO:0010160, OMIM 276600.

Submission:

Myriad Genetics, Inc.
Classification: Likely pathogenic for Tyrosinemia type II. Last evaluated: 2022-03-15. Review status: criteria provided, single submitter. Criteria: Myriad Women's Health Autosomal Recessive and X-Linked Classification Criteria (2021). Collection method: clinical testing. Allele origin: unknown.
Comment: NM_000353.2(TAT):c.313A>T(K105*) is expected to be pathogenic in the context of tyrosinemia type II. This variant is predicted to lead to an abnormal or absent protein product due to the creation of a premature termination codon in TAT, a gene where loss-of-function variants are known to be pathogenic. Please note: this variant was assessed in the context of healthy population screening.